The following is an entry in ClinVar:

ClinVar aggregate classification (germline): Uncertain significance (1 of 4 stars; one submission).

Allele frequency attached by ClinVar (database versions not stated): gnomAD exomes 0.00001; TOPMed below 0.00001; ExAC 0.00001.
gnomAD v4.1: 12 of 1,614,152 alleles (0.00074%); highest among the groups gnomAD compares: East Asian, 0.0022%; no homozygotes.

Submission:

Labcorp Genetics (formerly Invitae), Labcorp
Classification: Uncertain significance. Last evaluated: 2024-10-15. Review status: criteria provided, single submitter. Criteria: Invitae Variant Classification Sherloc (09022015). Collection method: clinical testing. Allele origin: germline.
Comment: This sequence change replaces alanine, which is neutral and non-polar, with valine, which is neutral and non-polar, at codon 143 of the TUB protein (p.Ala143Val). This variant is present in population databases (rs775392476, gnomAD 0.0009%). This variant has not been reported in the literature in individuals affected with TUB-related conditions. An algorithm developed to predict the effect of missense changes on protein structure and function (PolyPhen-2) suggests that this variant is likely to be disruptive. In summary, the available evidence is currently insufficient to determine the role of this variant in disease. Therefore, it has been classified as a Variant of Uncertain Significance.

NM_177972.3(TUB):c.263C>T (p.Ala88Val)

Genes: RIC3 (RIC3 acetylcholine receptor chaperone; minus strand), TUB (TUB bipartite transcription factor; plus strand). Cytogenetic location: 11p15.4.
Variant type: single nucleotide variant.
Coding change: c.263C>T on transcript NM_177972.3 (MANE Select); coding-DNA position 263, C replaced by T.
Protein change: p.Ala88Val; replaces alanine 88 with valine.
Molecular consequence: missense variant. On other transcripts: non-coding transcript variant (1).
Genome position (GRCh38, 1-based): chr11:8,094,055, C>T. VCF-style: chr11-8094055-C-T. GRCh37 (hg19) VCF-style: chr11-8115602-C-T.
Other names: c.428C>T, p.Ala143Val (NM_003320.5); short protein forms A143V, A88V.
Identifiers: ClinVar variation 2986566 (VCV002986566.2), dbSNP rs775392476, ClinGen allele CA5871029.